The following is an entry in ClinVar:

ClinVar aggregate classification (germline): Pathogenic. Review status: criteria provided, single submitter (1 of 4 stars). 2 submissions from 2 submitters: Pathogenic (1). 1 of the submissions does not count toward it. Last evaluated 2021-10-13.

Allele frequency attached by ClinVar (database versions not stated): TOPMed 0.00001.

Submissions (2):

Labcorp Genetics (formerly Invitae), Labcorp
Classification: Pathogenic. Last evaluated: 2021-10-13. Review status: criteria provided, single submitter. Criteria: Invitae Variant Classification Sherloc (09022015). Collection method: clinical testing. Allele origin: germline.
Comment: For these reasons, this variant has been classified as Pathogenic. This variant has not been reported in the literature in individuals affected with GPR143-related conditions. This variant is not present in population databases (ExAC no frequency). This sequence change creates a premature translational stop signal (p.Gln228*) in the GPR143 gene. It is expected to result in an absent or disrupted protein product. Loss-of-function variants in GPR143 are known to be pathogenic (PMID: 15965158, 18978956, 19390656, 21541274, 26160353, 28211458).

Genetic Services Laboratory, University of Chicago
Classification: Likely pathogenic. Last evaluated: 2022-06-01. Review status: no assertion criteria provided. Collection method: clinical testing. Allele origin: germline. Affected: yes. Not counted in ClinVar's aggregate classification.
Comment: DNA sequence analysis of the GPR143 gene demonstrated a sequence change, c.682C>T, which results in the creation of a premature stop codon at amino acid position 228, p.Gln228*. This sequence change is predicted to result in an abnormal transcript, which may be degraded, or may lead to the production of a truncated GPR143 protein with potentially abnormal function. This sequence change does not appear to have been previously described in individuals with GPR143-related disorders and has also not been described in population databases such as ExAC and gnomAD. Collectively, these evidences indicate this sequence change is likely pathogenic.

Literature cited by the submitters: PubMed 15965158 (cited by Labcorp Genetics (formerly Invitae), Labcorp); PubMed 18978956 (cited by Labcorp Genetics (formerly Invitae), Labcorp); PubMed 19390656 (cited by Labcorp Genetics (formerly Invitae), Labcorp); PubMed 21541274 (cited by Labcorp Genetics (formerly Invitae), Labcorp); PubMed 26160353 (cited by Labcorp Genetics (formerly Invitae), Labcorp); PubMed 28211458 (cited by Labcorp Genetics (formerly Invitae), Labcorp).

NM_000273.3(GPR143):c.682C>T (p.Gln228Ter)

Gene: GPR143 (G protein-coupled receptor 143; minus strand). Cytogenetic location: Xp22.2.
Variant type: single nucleotide variant.
Coding change: c.682C>T on transcript NM_000273.3 (MANE Select); coding-DNA position 682, C replaced by T.
Protein change: p.Gln228Ter; replaces glutamine 228 with a stop codon.
Molecular consequence: nonsense.
Genome position (GRCh38, 1-based): chrX:9,743,650, G>A on the plus strand (C>T on the coding strand, the complement: GPR143 is on the minus strand). VCF-style: chrX-9743650-G-A. GRCh37 (hg19) VCF-style: chrX-9711690-G-A.
Other names: c.682C>T (NM_000273.2); short protein forms Q228*.
Identifiers: ClinVar variation 1375183 (VCV001375183.7), dbSNP rs2083414866, ClinGen allele CA411996996.
Genomic context (GRCh38, chrX:9,743,650, plus strand): 5'-TGAAAAATCGGATCTTGATCACGGCTCCCATCCTCCTCTCGTTCTCCGTGTAAATGCCTT[G>A]TCTTCCTTTAAGTAAAGAGGCCACTGTGAAGAACAGAAGGAACTATGTATGGTGTTCATT-3'